The following is an entry in ClinVar:

ClinVar aggregate classification (germline): Uncertain significance (1 of 4 stars; one submission).

gnomAD v4.1: 4 of 1,612,538 alleles (0.00025%); highest among the groups gnomAD compares: Non-Finnish European, 0.00025%; no homozygotes.

Submission:

Labcorp Genetics (formerly Invitae), Labcorp
Classification: Uncertain significance. Last evaluated: 2024-06-16. Review status: criteria provided, single submitter. Criteria: Invitae Variant Classification Sherloc (09022015). Collection method: clinical testing. Allele origin: germline.
Comment: This sequence change falls in intron 7 of the DVL3 gene. It does not directly change the encoded amino acid sequence of the DVL3 protein. It affects a nucleotide within the consensus splice site. This variant is not present in population databases (gnomAD no frequency). This variant has not been reported in the literature in individuals affected with DVL3-related conditions. Variants that disrupt the consensus splice site are a relatively common cause of aberrant splicing (PMID: 17576681, 9536098). Algorithms developed to predict the effect of sequence changes on RNA splicing suggest that this variant is not likely to affect RNA splicing. In summary, the available evidence is currently insufficient to determine the role of this variant in disease. Therefore, it has been classified as a Variant of Uncertain Significance.

Literature cited by the submitters: PubMed 17576681; PubMed 9536098.

NM_004423.4(DVL3):c.764-3T>C

Gene: DVL3 (dishevelled segment polarity protein 3; plus strand). Cytogenetic location: 3q27.1.
Variant type: single nucleotide variant.
Coding change: c.764-3T>C on transcript NM_004423.4 (MANE Select); 3 bases into the intron before coding-DNA position 764, T replaced by C.
Molecular consequence: intron variant.
Genome position (GRCh38, 1-based): chr3:184,166,123, T>C. VCF-style: chr3-184166123-T-C. GRCh37 (hg19) VCF-style: chr3-183883911-T-C.
Identifiers: ClinVar variation 3679442 (VCV003679442.2).